The following is an entry in ClinVar:

ClinVar aggregate classification (germline): Uncertain significance (1 of 4 stars; one submission).

Allele frequency attached by ClinVar (database versions not stated): gnomAD exomes 0.00001.
gnomAD v4.1: 20 of 1,566,326 alleles (0.0013%); highest among the groups gnomAD compares: Non-Finnish European, 0.0018%; no homozygotes.

Submission:

Labcorp Genetics (formerly Invitae), Labcorp
Classification: Uncertain significance. Last evaluated: 2023-09-04. Review status: criteria provided, single submitter. Criteria: Invitae Variant Classification Sherloc (09022015). Collection method: clinical testing. Allele origin: germline.
Comment: This sequence change replaces threonine, which is neutral and polar, with asparagine, which is neutral and polar, at codon 370 of the LIPI protein (p.Thr370Asn). This variant is present in population databases (no rsID available, gnomAD 0.002%). This variant has not been reported in the literature in individuals affected with LIPI-related conditions. Algorithms developed to predict the effect of missense changes on protein structure and function output the following: SIFT: "Not Available"; PolyPhen-2: "Benign"; Align-GVGD: "Not Available". The asparagine amino acid residue is found in multiple mammalian species, which suggests that this missense change does not adversely affect protein function. In summary, the available evidence is currently insufficient to determine the role of this variant in disease. Therefore, it has been classified as a Variant of Uncertain Significance.

NM_001302998.2(LIPI):c.1046C>A (p.Thr349Asn)

Gene: LIPI (lipase I; minus strand). Cytogenetic location: 21q11.2.
Variant type: single nucleotide variant.
Coding change: c.1046C>A on transcript NM_001302998.2 (MANE Select); coding-DNA position 1046, C replaced by A.
Protein change: p.Thr349Asn; replaces threonine 349 with asparagine.
Molecular consequence: missense variant. On other transcripts: intron variant (1).
Genome position (GRCh38, 1-based): chr21:14,152,645, G>T on the plus strand (C>A on the coding strand, the complement: LIPI is on the minus strand). VCF-style: chr21-14152645-G-T. GRCh37 (hg19) VCF-style: chr21-15524966-G-T.
Other names: c.956C>A, p.Thr319Asn (NM_001302999.2); c.1028C>A, p.Thr343Asn (NM_001303000.2); c.941C>A, p.Thr314Asn (NM_001379565.1); c.551C>A, p.Thr184Asn (NM_001379566.1); c.911C>A, p.Thr304Asn (NM_198996.4); c.1006+10774C>A (NM_001303001.2); short protein forms T184N, T319N, T343N, T304N, T314N, T349N.
Identifiers: ClinVar variation 2975418 (VCV002975418.3), dbSNP rs1490384912, ClinGen allele CA409821123.
Genomic context (GRCh38, chr21:14,152,645, plus strand): 5'-GGCTCTTCAATCATTCCAAGCTGATTTAATAATTTAAATGAAAACGAGCCATCCATCATA[G>T]TTTTATCTGGAACAATTATACTGAGAACAAAATAATAGGCTACAAAATAAAAATATAGAA-3'
Protein context (NP_001289927.1, residues 339-359): FVLSIIVPDK[Thr349Asn]MMDGSFSFKL